The following is an entry in ClinVar:

NM_015450.3(POT1):c.1453C>A (p.Leu485Ile)

Gene: POT1 (protection of telomeres 1; minus strand). Cytogenetic location: 7q31.33.
Variant type: single nucleotide variant.
Coding change: c.1453C>A on transcript NM_015450.3 (MANE Select); coding-DNA position 1453, C replaced by A.
Protein change: p.Leu485Ile; replaces leucine 485 with isoleucine.
Molecular consequence: missense variant. On other transcripts: non-coding transcript variant (3).
Genome position (GRCh38, 1-based): chr7:124,835,331, G>T on the plus strand (C>A on the coding strand, the complement: POT1 is on the minus strand). VCF-style: chr7-124835331-G-T. GRCh37 (hg19) VCF-style: chr7-124475385-G-T.
Other names: c.1060C>A, p.Leu354Ile (NM_001042594.2); short protein forms L485I, L354I.
Identifiers: ClinVar variation 5027190 (VCV005027190.1).

ClinVar aggregate classification (germline): Uncertain significance (1 of 4 stars; one submission).

Conditions:
Hereditary cancer-predisposing syndrome. Also called: Neoplastic Syndromes, Hereditary; Tumor predisposition; Hereditary neoplastic syndrome; Hereditary Cancer Syndrome. Identifiers: Orphanet 140162, MedGen C0027672, MeSH D009386, MONDO:0015356.

Submission:

Ambry Genetics
Classification: Uncertain significance for Hereditary cancer-predisposing syndrome. Last evaluated: 2026-08-23. Review status: criteria provided, single submitter. Criteria: Ambry Variant Classification Scheme 2023. Collection method: clinical testing. Allele origin: germline.
Comment: The p.L485I variant (also known as c.1453C>A), located in coding exon 11 of the POT1 gene, results from a C to A substitution at nucleotide position 1453. The leucine at codon 485 is replaced by isoleucine, an amino acid with highly similar properties. This amino acid position is conserved. In addition, this alteration is predicted to be tolerated by in silico analysis. Based on the available evidence, the clinical significance of this variant remains unclear.